The following is an entry in ClinVar:

NM_005271.5(GLUD1):c.1269G>C (p.Met423Ile)

Gene: GLUD1 (glutamate dehydrogenase 1; minus strand). Cytogenetic location: 10q23.2.
Variant type: single nucleotide variant.
Coding change: c.1269G>C on transcript NM_005271.5 (MANE Select); coding-DNA position 1269, G replaced by C.
Protein change: p.Met423Ile; replaces methionine 423 with isoleucine.
Molecular consequence: missense variant.
Genome position (GRCh38, 1-based): chr10:87,060,170, C>G on the plus strand (G>C on the coding strand, the complement: GLUD1 is on the minus strand). VCF-style: chr10-87060170-C-G. GRCh37 (hg19) VCF-style: chr10-88819927-C-G.
Other names: c.870G>C, p.Met290Ile (NM_001318900.1); c.768G>C, p.Met256Ile (NM_001318901.1, NM_001318902.1, NM_001318904.2 and 2 more transcripts); short protein forms M256I, M290I, M423I.
Identifiers: ClinVar variation 1705039 (VCV001705039.1), dbSNP rs2539816594, ClinGen allele CA377466639.

ClinVar aggregate classification (germline): Uncertain significance (1 of 4 stars; one submission).

Submission:

Women's Health and Genetics/Laboratory Corporation of America, LabCorp
Classification: Uncertain significance. Last evaluated: 2022-08-04. Review status: criteria provided, single submitter. Criteria: LabCorp Variant Classification Summary - May 2015. Collection method: clinical testing. Allele origin: germline.
Comment: Variant summary: GLUD1 c.1269G>C (p.Met423Ile) results in a conservative amino acid change located in the Glutamate/phenylalanine/leucine/valine dehydrogenase, C-terminal domain (IPR006096) of the encoded protein sequence. Three of four in-silico tools predict a benign effect of the variant on protein function. The variant was absent in 251434 control chromosomes (gnomAD). The available data on variant occurrences in the general population are insufficient to allow any conclusion about variant significance. To our knowledge, no occurrence of c.1269G>C in individuals affected with Congenital Hyperinsulinism and no experimental evidence demonstrating its impact on protein function have been reported. No clinical diagnostic laboratories have submitted clinical-significance assessments for this variant to ClinVar after 2014. Based on the evidence outlined above, the variant was classified as uncertain significance.